The following is an entry in ClinVar:

NM_000038.6(APC):c.8518_*61del (p.Val2840fs)

Gene: APC (APC regulator of Wnt signaling pathway; plus strand). Cytogenetic location: 5q22.2.
Variant type: Deletion.
Coding change: c.8518_*61del on transcript NM_000038.6 (MANE Select); coding-DNA position 8518 through 61 bases downstream of the stop codon, 76 bases deleted.
Protein change: p.Val2840fs; shifts the reading frame from valine 2840.
Molecular consequence: frameshift variant. On other transcripts: non-coding transcript variant (2).
Genome position (GRCh38, 1-based): chr5:112,844,112-112,844,187, 76 bases deleted. GRCh37 (hg19): chr5:112,179,809-112,179,884.
Other names: c.8518_*61del, p.Val2840fs (NM_001127510.3, NM_001354895.2, NM_001407450.1); c.8464_*61del, p.Val2822fs (NM_001127511.3); c.8572_*61del, p.Val2858fs (NM_001354896.2, NM_001407447.1, NM_001407448.1 and 1 more transcripts); c.8548_*61del, p.Val2850fs (NM_001354897.2); c.8443_*61del, p.Val2815fs (NM_001354898.2); c.8434_*61del, p.Val2812fs (NM_001354899.2); c.8395_*61del, p.Val2799fs (NM_001354900.2); c.8341_*61del, p.Val2781fs (NM_001354901.2, NM_001407453.1); and 11 more; short protein forms V2557fs, V2711fs, V2714fs, V2739fs, V2749fs, V2812fs, V2840fs, V2858fs.
Identifiers: ClinVar variation 4729103 (VCV004729103.1).

ClinVar aggregate classification (germline): Uncertain significance (1 of 4 stars; one submission).

Conditions:
Familial adenomatous polyposis 1 (FAP1). Also called: FAMILIAL ADENOMATOUS POLYPOSIS 1, ATTENUATED; POLYPOSIS, ADENOMATOUS INTESTINAL. Identifiers: MedGen C2713442, MONDO:0021056, OMIM 175100. Disease mechanism: loss of function.

Submission:

Labcorp Genetics (formerly Invitae), Labcorp
Classification: Uncertain significance for Familial adenomatous polyposis 1. Last evaluated: 2025-10-13. Review status: criteria provided, single submitter. Criteria: Invitae Variant Classification Sherloc (09022015). Collection method: clinical testing. Allele origin: germline.
Comment: This sequence change creates a premature translational stop signal (p.Val2840_*2844delinsCysPheLys*) in the APC gene. While this is not anticipated to result in nonsense mediated decay, it is expected to disrupt the last 4 amino acid(s) of the APC protein. This variant is not present in population databases (gnomAD no frequency). This variant has not been reported in the literature in individuals affected with APC-related conditions. Experimental studies and prediction algorithms are not available or were not evaluated, and the functional significance of this variant is currently unknown. In summary, the available evidence is currently insufficient to determine the role of this variant in disease. Therefore, it has been classified as a Variant of Uncertain Significance.